The following is an entry in ClinVar:

NM_020461.4(TUBGCP6):c.2998C>T (p.Arg1000Trp)

Gene: TUBGCP6 (tubulin gamma complex component 6; minus strand). Cytogenetic location: 22q13.33.
Variant type: single nucleotide variant.
Coding change: c.2998C>T on transcript NM_020461.4 (MANE Select); coding-DNA position 2998, C replaced by T.
Protein change: p.Arg1000Trp; replaces arginine 1000 with tryptophan.
Molecular consequence: missense variant.
Genome position (GRCh38, 1-based): chr22:50,221,361, G>A on the plus strand (C>T on the coding strand, the complement: TUBGCP6 is on the minus strand). VCF-style: chr22-50221361-G-A. GRCh37 (hg19) VCF-style: chr22-50659790-G-A.
Other names: short protein forms R1000W.
Identifiers: ClinVar variation 949122 (VCV000949122.7), dbSNP rs144131729, ClinGen allele CA10308074.

ClinVar aggregate classification (germline): Conflicting classifications of pathogenicity. Review status: criteria provided, conflicting classifications (1 of 4 stars). 2 submissions from 2 submitters: Uncertain significance (1); Likely benign (1). Last evaluated 2025-08-07.

Allele frequency attached by ClinVar (database versions not stated): gnomAD exomes 0.00007 and 0.00013; ExAC 0.00016; gnomAD 0.00026 and 0.00027; TOPMed 0.00028; ESP Exome Variant Server 0.00046; 1000 Genomes Project 0.00060; 1000 Genomes Project 30x 0.00078.
gnomAD v4.1: 138 of 1,611,226 alleles (0.0086%); highest among the groups gnomAD compares: African/African-American, 0.11%; no homozygotes.

Submissions (2):

Labcorp Genetics (formerly Invitae), Labcorp
Classification: Uncertain significance. Last evaluated: 2025-08-07. Review status: criteria provided, single submitter. Criteria: Invitae Variant Classification Sherloc (09022015). Collection method: clinical testing. Allele origin: germline.
Comment: This sequence change replaces arginine, which is basic and polar, with tryptophan, which is neutral and slightly polar, at codon 1000 of the TUBGCP6 protein (p.Arg1000Trp). This variant is present in population databases (rs144131729, gnomAD 0.1%). This variant has not been reported in the literature in individuals affected with TUBGCP6-related conditions. ClinVar contains an entry for this variant (Variation ID: 949122). An algorithm developed to predict the effect of missense changes on protein structure and function (PolyPhen-2) suggests that this variant is likely to be disruptive. In summary, the available evidence is currently insufficient to determine the role of this variant in disease. Therefore, it has been classified as a Variant of Uncertain Significance.

Blueprint Genetics
Classification: Likely benign. Last evaluated: 2024-02-27. Review status: criteria provided, single submitter. Criteria: ACMG Guidelines, 2015. Collection method: clinical testing. Allele origin: germline.